The following is an entry in ClinVar:

NM_015057.5(MYCBP2):c.2940-6del

Gene: MYCBP2 (MYC binding protein 2; minus strand). Cytogenetic location: 13q22.3.
Variant type: Deletion.
Coding change: c.2940-6del on transcript NM_015057.5 (MANE Select); 6 bases into the intron before coding-DNA position 2940, one base deleted (A; older notation c.2940-6delA).
Molecular consequence: intron variant.
Genome position (GRCh38, 1-based): chr13:77,217,963, T deleted on the plus strand (A on the coding strand, the reverse complement: MYCBP2 is on the minus strand); the first of 2 consecutive T bases (chr13:77,217,963-77,217,964); deleting either gives the same sequence. VCF-style (leftmost placement, unchanged base first): chr13-77217962-GT-G. GRCh37 (hg19) VCF-style: chr13-77792097-GT-G.
Identifiers: ClinVar variation 3041364 (VCV003041364.2), dbSNP rs763094211, ClinGen allele CA7010074.
Genomic context (GRCh38, chr13:77,217,962, plus strand): 5'-CTGCAGTGACTTGTGTGCTAGGGCCTGGCAATGCTTGAACAAGAGTGGGACATCCCCTAG[GT>G]TAAAAAAAAAAAAAGTAAGTCAATTTCTTACAAAACTCAACTAAAATAAAAACAATAAGT-3'

ClinVar aggregate classification (germline): Benign (0 of 4 stars; one submission).

Conditions:
MYCBP2-related disorder. Also called: MYCBP2-related condition.

Submission:

PreventionGenetics, part of Exact Sciences
Classification: Benign for MYCBP2-related condition. Last evaluated: 2019-02-26. Review status: no assertion criteria provided. Collection method: clinical testing. Allele origin: germline.
Comment: This variant is classified as benign based on ACMG/AMP sequence variant interpretation guidelines (Richards et al. 2015 PMID: 25741868, with internal and published modifications).